The following is an entry in ClinVar:

NM_000540.3(RYR1):c.7994G>C (p.Gly2665Ala)

Gene: RYR1 (ryanodine receptor 1; plus strand). Cytogenetic location: 19q13.2.
Variant type: single nucleotide variant.
Coding change: c.7994G>C on transcript NM_000540.3 (MANE Select); coding-DNA position 7994, G replaced by C.
Protein change: p.Gly2665Ala; replaces glycine 2665 with alanine.
Molecular consequence: missense variant.
Genome position (GRCh38, 1-based): chr19:38,504,287, G>C. VCF-style: chr19-38504287-G-C. GRCh37 (hg19) VCF-style: chr19-38994927-G-C.
Other names: c.7994G>C, p.Gly2665Ala (NM_001042723.2); short protein forms G2665A.
Identifiers: ClinVar variation 4070857 (VCV004070857.1).

ClinVar aggregate classification (germline): Uncertain significance (1 of 4 stars; one submission).

gnomAD v4.1: 8 of 1,614,098 alleles (0.0005%); highest among the groups gnomAD compares: South Asian, 0.0011%; no homozygotes.

Submission:

GeneDx
Classification: Uncertain significance. Last evaluated: 2025-01-16. Review status: criteria provided, single submitter. Criteria: GeneDx Variant Classification Process June 2021. Collection method: clinical testing. Allele origin: germline. Affected: yes.
Comment: Not observed at significant frequency in large population cohorts (gnomAD); In silico analysis supports that this missense variant has a deleterious effect on protein structure/function; Has not been previously published as pathogenic or benign to our knowledge; This variant is associated with the following publications: (PMID: 12668474)